The following is an entry in ClinVar:

ClinVar aggregate classification (germline): Uncertain significance (1 of 4 stars; one submission).

Conditions:
Isolated microphthalmia 6. Also called: MICROPHTHALMIA, POSTERIOR NONSYNDROMIC. Identifiers: Orphanet 2542, MedGen C3150757, MONDO:0013293, OMIM 613517.

Submission:

Labcorp Genetics (formerly Invitae), Labcorp
Classification: Uncertain significance for Isolated microphthalmia 6. Last evaluated: 2023-10-09. Review status: criteria provided, single submitter. Criteria: Invitae Variant Classification Sherloc (09022015). Collection method: clinical testing. Allele origin: germline.
Comment: This sequence change replaces glutamic acid, which is acidic and polar, with aspartic acid, which is acidic and polar, at codon 301 of the PRSS56 protein (p.Glu301Asp). This variant is not present in population databases (gnomAD no frequency). This variant has not been reported in the literature in individuals affected with PRSS56-related conditions. Experimental studies and prediction algorithms are not available or were not evaluated, and the functional significance of this variant is currently unknown. In summary, the available evidence is currently insufficient to determine the role of this variant in disease. Therefore, it has been classified as a Variant of Uncertain Significance.

NM_001195129.2(PRSS56):c.903G>C (p.Glu301Asp)

Gene: PRSS56 (serine protease 56; plus strand). Cytogenetic location: 2q37.1.
Variant type: single nucleotide variant.
Coding change: c.903G>C on transcript NM_001195129.2 (MANE Select); coding-DNA position 903, G replaced by C.
Protein change: p.Glu301Asp; replaces glutamic acid 301 with aspartic acid.
Molecular consequence: missense variant.
Genome position (GRCh38, 1-based): chr2:232,523,469, G>C. VCF-style: chr2-232523469-G-C. GRCh37 (hg19) VCF-style: chr2-233388179-G-C.
Other names: c.903G>C, p.Glu301Asp (NM_001369848.1); short protein forms E301D.
Identifiers: ClinVar variation 2767336 (VCV002767336.3), dbSNP rs778102606, ClinGen allele CA350990920.
Genomic context (GRCh38, chr2:232,523,469, plus strand): 5'-CCCGCAGGGTGACTCGGGAGGCCCCCTGACCTGTTCTGAGCCTGGCCCCCGCCCTAGAGA[G>C]GTCCTGTTCGGAGTCACCTCCTGGGGGGACGGCTGCGGGGAGCCAGGGAAGCCCGGGGTC-3'
Protein context (NP_001182058.1, residues 291-311): TCSEPGPRPR[Glu301Asp]VLFGVTSWGD